The following is an entry in ClinVar:

NM_006279.5(ST3GAL3):c.527C>T (p.Ser176Leu)

Gene: ST3GAL3 (ST3 beta-galactoside alpha-2,3-sialyltransferase 3; plus strand). Cytogenetic location: 1p34.1.
Variant type: single nucleotide variant.
Coding change: c.527C>T on transcript NM_006279.5 (MANE Select); coding-DNA position 527, C replaced by T.
Protein change: p.Ser176Leu; replaces serine 176 with leucine.
Molecular consequence: missense variant. On other transcripts: non-coding transcript variant (7), intron variant (4).
Genome position (GRCh38, 1-based): chr1:43,899,233, C>T. VCF-style: chr1-43899233-C-T. GRCh37 (hg19) VCF-style: chr1-44364905-C-T.
Other names: c.442+4756C>T (NM_174965.4); c.397+4756C>T (NM_174967.4); c.349+4756C>T (NM_174970.4); c.255-30899C>T (NM_001270466.3); c.527C>T, p.Ser176Leu (NM_001270459.2, NM_001350620.2, NM_174966.4); c.434C>T, p.Ser145Leu (NM_001270460.2); c.479C>T, p.Ser160Leu (NM_001270461.3, NM_001270464.3, NM_001410781.1 and 1 more transcripts); c.386C>T, p.Ser129Leu (NM_001270462.3); and 6 more; short protein forms S160L, S176L, S191L, S230L, S83L, S214L, S245L, S129L.
Identifiers: ClinVar variation 1993803 (VCV001993803.4), dbSNP rs2077857675, ClinGen allele CA340270050.

ClinVar aggregate classification (germline): Uncertain significance (1 of 4 stars; one submission).

Conditions:
Early-infantile DEE. Also called: Ohtahara syndrome; Early infantile epileptic encephalopathy; Early infantile epileptic encephalopathy with suppression bursts. Identifiers: Orphanet 1934, MedGen C0393706, MONDO:0800491.

Submission:

Labcorp Genetics (formerly Invitae), Labcorp
Classification: Uncertain significance for Early-infantile DEE. Last evaluated: 2022-05-12. Review status: criteria provided, single submitter. Criteria: Invitae Variant Classification Sherloc (09022015). Collection method: clinical testing. Allele origin: germline.
Comment: In summary, the available evidence is currently insufficient to determine the role of this variant in disease. Therefore, it has been classified as a Variant of Uncertain Significance. Algorithms developed to predict the effect of missense changes on protein structure and function (SIFT, PolyPhen-2, Align-GVGD) all suggest that this variant is likely to be tolerated. This sequence change replaces serine, which is neutral and polar, with leucine, which is neutral and non-polar, at codon 176 of the ST3GAL3 protein (p.Ser176Leu). This variant is not present in population databases (gnomAD no frequency). This variant has not been reported in the literature in individuals affected with ST3GAL3-related conditions.